The following is an entry in ClinVar:

ClinVar aggregate classification (germline): Uncertain significance (1 of 4 stars; one submission).

Conditions:
Cardiovascular phenotype. Identifiers: MedGen CN230736.

gnomAD v4.1: 5 of 1,613,270 alleles (0.00031%); highest among the groups gnomAD compares: Non-Finnish European, 0.00042%; no homozygotes.

Submission:

Ambry Genetics
Classification: Uncertain significance for Cardiovascular phenotype. Last evaluated: 2023-06-04. Review status: criteria provided, single submitter. Criteria: Ambry Variant Classification Scheme 2023. Collection method: clinical testing. Allele origin: germline.
Comment: The p.S915F variant (also known as c.2744C>T), located in coding exon 8 of the AKAP9 gene, results from a C to T substitution at nucleotide position 2744. The serine at codon 915 is replaced by phenylalanine, an amino acid with highly dissimilar properties. This amino acid position is conserved. In addition, this alteration is predicted to be tolerated by in silico analysis. Since supporting evidence is limited at this time, the clinical significance of this alteration remains unclear.

NM_005751.5(AKAP9):c.2744C>T (p.Ser915Phe)

Gene: AKAP9 (A-kinase anchoring protein 9; plus strand). Cytogenetic location: 7q21.2.
Variant type: single nucleotide variant.
Coding change: c.2744C>T on transcript NM_005751.5 (MANE Select); coding-DNA position 2744, C replaced by T.
Protein change: p.Ser915Phe; replaces serine 915 with phenylalanine.
Molecular consequence: missense variant.
Genome position (GRCh38, 1-based): chr7:92,002,661, C>T. VCF-style: chr7-92002661-C-T. GRCh37 (hg19) VCF-style: chr7-91631975-C-T.
Other names: c.2744C>T, p.Ser915Phe (NM_147185.3); short protein forms S915F.
Identifiers: ClinVar variation 2564490 (VCV002564490.2), dbSNP rs1313880486, ClinGen allele CA368124833.